The following is an entry in ClinVar:

ClinVar aggregate classification (germline): Uncertain significance (1 of 4 stars; one submission).

Conditions:
Autosomal recessive limb-girdle muscular dystrophy type 2Y (MRRSDC). Also called: Muscular dystrophy, limb-girdle, type 2y; Muscular dystrophy, autosomal recessive, with rigid spine and distal joint contractures. Identifiers: Orphanet 424261, MedGen C4511482, MONDO:0014900, OMIM 617072.

Allele frequency attached by ClinVar (database versions not stated): gnomAD exomes below 0.00001.
gnomAD v4.1: 7 of 1,613,694 alleles (0.00043%); highest among the groups gnomAD compares: Non-Finnish European, 0.00059%; no homozygotes.

Submission:

Labcorp Genetics (formerly Invitae), Labcorp
Classification: Uncertain significance for Autosomal recessive limb-girdle muscular dystrophy type 2Y. Last evaluated: 2018-11-06. Review status: criteria provided, single submitter. Criteria: Invitae Variant Classification Sherloc (09022015). Collection method: clinical testing. Allele origin: germline.
Comment: In summary, the available evidence is currently insufficient to determine the role of this variant in disease. Therefore, it has been classified as a Variant of Uncertain Significance. Algorithms developed to predict the effect of missense changes on protein structure and function output the following: SIFT: "Deleterious"; PolyPhen-2: "Benign"; Align-GVGD: "Class C0". The alanine amino acid residue is found in multiple mammalian species, suggesting that this missense change does not adversely affect protein function. These predictions have not been confirmed by published functional studies and their clinical significance is uncertain. This variant has not been reported in the literature in individuals with TOR1AIP1-related disease. This variant is not present in population databases (ExAC no frequency). This sequence change replaces valine with alanine at codon 99 of the TOR1AIP1 protein (p.Val99Ala). The valine residue is weakly conserved and there is a small physicochemical difference between valine and alanine.

NM_015602.4(TOR1AIP1):c.296T>C (p.Val99Ala)

Genes: TOR1AIP1 (torsin 1A interacting protein 1; plus strand), LOC112577517 (Sharpr-MPRA regulatory region 13766; plus strand). Cytogenetic location: 1q25.2.
Variant type: single nucleotide variant.
Coding change: c.296T>C on transcript NM_015602.4 (MANE Select); coding-DNA position 296, T replaced by C.
Protein change: p.Val99Ala; replaces valine 99 with alanine.
Molecular consequence: missense variant.
Genome position (GRCh38, 1-based): chr1:179,882,798, T>C. VCF-style: chr1-179882798-T-C. GRCh37 (hg19) VCF-style: chr1-179851933-T-C.
Other names: c.296T>C, p.Val99Ala (NM_001267578.2); short protein forms V99A.
Identifiers: ClinVar variation 650024 (VCV000650024.5), dbSNP rs1571719094, ClinGen allele CA343578018.